The following is an entry in ClinVar:

ClinVar aggregate classification (germline): Uncertain significance. Review status: criteria provided, multiple submitters, no conflicts (2 of 4 stars). 2 submissions from 2 submitters: Uncertain significance (2). Last evaluated 2024-09-09.

Conditions:
Familial cold autoinflammatory syndrome 2 (FCAS2). Identifiers: Orphanet 247868, MedGen C2673198, MONDO:0012724, OMIM 611762.

Allele frequency attached by ClinVar (database versions not stated): gnomAD exomes below 0.00001; TOPMed below 0.00001; gnomAD 0.00001; ExAC 0.00002; 1000 Genomes Project 30x 0.00016; 1000 Genomes Project 0.00020.
gnomAD v4.1: 7 of 1,614,152 alleles (0.00043%); highest among the groups gnomAD compares: East Asian, 0.016%; no homozygotes.

Submissions (2):

Labcorp Genetics (formerly Invitae), Labcorp
Classification: Uncertain significance for Familial cold autoinflammatory syndrome 2. Last evaluated: 2024-09-09. Review status: criteria provided, single submitter. Criteria: Invitae Variant Classification Sherloc (09022015). Collection method: clinical testing. Allele origin: germline.
Comment: This sequence change replaces leucine, which is neutral and non-polar, with proline, which is neutral and non-polar, at codon 709 of the NLRP12 protein (p.Leu709Pro). This variant is present in population databases (rs548404405, gnomAD 0.05%). This missense change has been observed in individual(s) with NLRP12-related conditions (PMID: 32868390). ClinVar contains an entry for this variant (Variation ID: 2176013). An algorithm developed to predict the effect of missense changes on protein structure and function (PolyPhen-2) suggests that this variant is likely to be disruptive. In summary, the available evidence is currently insufficient to determine the role of this variant in disease. Therefore, it has been classified as a Variant of Uncertain Significance.

Blueprint Genetics
Classification: Uncertain significance. Last evaluated: 2022-07-18. Review status: criteria provided, single submitter. Criteria: ACMG Guidelines, 2015. Collection method: clinical testing. Allele origin: germline.

Literature cited by the submitters: PubMed 32868390 (cited by Labcorp Genetics (formerly Invitae), Labcorp).

NM_144687.4(NLRP12):c.2126T>C (p.Leu709Pro)

Gene: NLRP12 (NLR family pyrin domain containing 12; minus strand). Cytogenetic location: 19q13.42.
Variant type: single nucleotide variant.
Coding change: c.2126T>C on transcript NM_144687.4 (MANE Select); coding-DNA position 2126, T replaced by C.
Protein change: p.Leu709Pro; replaces leucine 709 with proline.
Molecular consequence: missense variant.
Genome position (GRCh38, 1-based): chr19:53,807,612, A>G on the plus strand (T>C on the coding strand, the complement: NLRP12 is on the minus strand). VCF-style: chr19-53807612-A-G. GRCh37 (hg19) VCF-style: chr19-54310866-A-G.
Other names: c.2129T>C, p.Leu710Pro (NM_001277126.2); c.2126T>C, p.Leu709Pro (NM_001277129.1); short protein forms L709P, L710P.
Identifiers: ClinVar variation 2176013 (VCV002176013.5), dbSNP rs548404405, ClinGen allele CA9639219.